The following is an entry in ClinVar:

ClinVar aggregate classification (germline): Benign/Likely benign. Review status: criteria provided, multiple submitters, no conflicts (2 of 4 stars). 10 submissions from 10 submitters: Benign (3); Likely benign (4). 3 of the submissions do not count toward it. Last evaluated 2026-01-25.

Conditions:
Severe combined immunodeficiency due to CORO1A deficiency. Also called: IMMUNODEFICIENCY 8 WITH LYMPHOPROLIFERATION; Immunodeficiency 8. Identifiers: Orphanet 228003, MedGen C3809383, MONDO:0014168, OMIM 615401.
CORO1A-related disorder. Also called: CORO1A-related condition.

Allele frequency attached by ClinVar (database versions not stated): gnomAD exomes 0.00066 and 0.00119; ExAC 0.00135; 1000 Genomes Project 30x 0.00344; gnomAD 0.00357 and 0.00385; 1000 Genomes Project 0.00359; ESP Exome Variant Server 0.00392; TOPMed 0.00410.

Submissions (10):

Labcorp Genetics (formerly Invitae), Labcorp
Classification: Benign for Severe combined immunodeficiency due to CORO1A deficiency. Last evaluated: 2026-01-25. Review status: criteria provided, single submitter. Criteria: Invitae Variant Classification Sherloc (09022015). Collection method: clinical testing. Allele origin: germline.

Women's Health and Genetics/Laboratory Corporation of America, LabCorp
Classification: Benign. Last evaluated: 2026-01-23. Review status: criteria provided, single submitter. Criteria: LabCorp Variant Classification Summary - May 2015. Collection method: clinical testing. Allele origin: germline.

CeGaT Center for Human Genetics Tuebingen
Classification: Likely benign. Last evaluated: 2025-05-01. Review status: criteria provided, single submitter. Criteria: CeGaT Center For Human Genetics Tuebingen Variant Classification Criteria Version 2. Collection method: clinical testing. Allele origin: germline. Affected: yes. Observed: 1 variant allele.
Comment: CORO1A: BP4, BP7, BS1

Mayo Clinic Laboratories, Mayo Clinic
Classification: Benign. Last evaluated: 2025-04-30. Review status: criteria provided, single submitter. Criteria: ACMG Guidelines, 2015. Collection method: clinical testing. Allele origin: germline. Observed: 2 variant alleles.
Comment: BS1, BS2, BP4, BP7

Blueprint Genetics
Classification: Likely benign. Last evaluated: 2024-11-18. Review status: criteria provided, single submitter. Criteria: ACMG Guidelines, 2015. Collection method: clinical testing. Allele origin: germline.

GeneDx
Classification: Likely benign. Last evaluated: 2015-10-29. Review status: criteria provided, single submitter. Criteria: GeneDx Variant Classification (06012015). Collection method: clinical testing. Allele origin: germline. Affected: yes.
Comment: This variant is considered likely benign or benign based on one or more of the following criteria: it is a conservative change, it occurs at a poorly conserved position in the protein, it is predicted to be benign by multiple in silico algorithms, and/or has population frequency not consistent with disease.

Breakthrough Genomics
Classification: Likely benign. Review status: criteria provided, single submitter. Criteria: ACMG Guidelines, 2015. Collection method: not provided. Allele origin: germline. Inheritance: Autosomal recessive inheritance. Affected: yes.

PreventionGenetics, part of Exact Sciences
Classification: Benign for CORO1A-related condition. Last evaluated: 2019-07-08. Review status: no assertion criteria provided. Collection method: clinical testing. Allele origin: germline. Not counted in ClinVar's aggregate classification.
Comment: This variant is classified as benign based on ACMG/AMP sequence variant interpretation guidelines (Richards et al. 2015 PMID: 25741868, with internal and published modifications).

Clinical Genetics DNA and cytogenetics Diagnostics Lab, Erasmus MC, Erasmus Medical Center
Classification: Likely benign. Review status: no assertion criteria provided. Collection method: clinical testing. Allele origin: germline. Affected: yes. Study: VKGL Data-share Consensus. Not counted in ClinVar's aggregate classification.

Genome Diagnostics Laboratory, University Medical Center Utrecht
Classification: Likely benign. Review status: no assertion criteria provided. Collection method: clinical testing. Allele origin: germline. Affected: yes. Study: VKGL Data-share Consensus. Not counted in ClinVar's aggregate classification.

NM_007074.4(CORO1A):c.804C>T (p.Ser268=)

Gene: CORO1A (coronin 1A; plus strand). Cytogenetic location: 16p11.2.
Variant type: single nucleotide variant.
Coding change: c.804C>T on transcript NM_007074.4 (MANE Select); coding-DNA position 804, C replaced by T.
Protein change: p.Ser268=; no amino-acid change (serine 268 retained).
Molecular consequence: synonymous variant.
Genome position (GRCh38, 1-based): chr16:30,187,772, C>T. VCF-style: chr16-30187772-C-T. GRCh37 (hg19) VCF-style: chr16-30199093-C-T.
Other names: p.Ser268=; c.804C>T, p.Ser268= (NM_001193333.3).
Identifiers: ClinVar variation 381252 (VCV000381252.29), dbSNP rs149867063, ClinGen allele CA8003267.